The following is an entry in ClinVar:

ClinVar aggregate classification (germline): Likely benign (1 of 4 stars; one submission).

gnomAD v4.1: 3 of 1,612,500 alleles (0.00019%); highest among the groups gnomAD compares: South Asian, 0.0022%; no homozygotes.

Submission:

CeGaT Center for Human Genetics Tuebingen
Classification: Likely benign. Last evaluated: 2024-11-01. Review status: criteria provided, single submitter. Criteria: CeGaT Center For Human Genetics Tuebingen Variant Classification Criteria Version 2. Collection method: clinical testing. Allele origin: germline. Affected: yes. Observed: 1 variant allele.
Comment: KDM6B: BP4, BP7

NM_001348716.2(KDM6B):c.2550C>G (p.Pro850=)

Gene: KDM6B (lysine demethylase 6B; plus strand). Cytogenetic location: 17p13.1.
Variant type: single nucleotide variant.
Coding change: c.2550C>G on transcript NM_001348716.2 (MANE Select); coding-DNA position 2550, C replaced by G.
Protein change: p.Pro850=; no amino-acid change (proline 850 retained).
Molecular consequence: synonymous variant.
Genome position (GRCh38, 1-based): chr17:7,848,838, C>G. VCF-style: chr17-7848838-C-G. GRCh37 (hg19) VCF-style: chr17-7752156-C-G.
Other names: c.2550C>G, p.Pro850= (NM_001080424.2).
Identifiers: ClinVar variation 3390066 (VCV003390066.14).